The following is an entry in ClinVar:

ClinVar aggregate classification (germline): Pathogenic (1 of 4 stars; one submission).

Conditions:
Hereditary cancer-predisposing syndrome. Also called: Tumor predisposition; Hereditary Cancer Syndrome; Neoplastic Syndromes, Hereditary; Hereditary neoplastic syndrome. Identifiers: Orphanet 140162, MedGen C0027672, MeSH D009386, MONDO:0015356.

Submission:

Ambry Genetics
Classification: Pathogenic for Hereditary cancer-predisposing syndrome. Last evaluated: 2024-09-09. Review status: criteria provided, single submitter. Criteria: Ambry Variant Classification Scheme 2023. Collection method: clinical testing. Allele origin: germline.
Comment: The c.6986_7004del19 pathogenic mutation, located in coding exon 47 of the ATM gene, results from a deletion of 19 nucleotides at nucleotide positions 6986 to 7004, causing a translational frameshift with a predicted alternate stop codon (p.S2329Kfs*4). This variant is considered to be rare based on population cohorts in the Genome Aggregation Database (gnomAD). This alteration is expected to result in loss of function by premature protein truncation or nonsense-mediated mRNA decay. As such, this alteration is interpreted as a disease-causing mutation.

NM_000051.4(ATM):c.6986_7004del (p.Ser2329fs)

Genes: ATM (ATM serine/threonine kinase; plus strand), C11orf65 (chromosome 11 open reading frame 65; minus strand). Cytogenetic location: 11q22.3.
Variant type: Deletion.
Coding change: c.6986_7004del on transcript NM_000051.4 (MANE Select); coding-DNA positions 6986 to 7004, 19 bases deleted (GCCTAAAACTTACATACAC).
Protein change: p.Ser2329fs; shifts the reading frame from serine 2329.
Molecular consequence: frameshift variant. On other transcripts: intron variant (2).
Genome position (GRCh38, 1-based): chr11:108,327,655-108,327,673, GCCTAAAACTTACATACAC deleted. VCF-style (leftmost placement, unchanged base first): chr11-108327654-AGCCTAAAACTTACATACAC-A. GRCh37 (hg19) VCF-style: chr11-108198381-AGCCTAAAACTTACATACAC-A.
Other names: c.6986_7004del, p.Ser2329fs (NM_001351834.2); c.641-18602_641-18584del (NM_001330368.2); c.*38+7547_*38+7565del (NM_001351110.2); short protein forms S2329fs.
Identifiers: ClinVar variation 3451107 (VCV003451107.1).
Genomic context (GRCh38, chr11:108,327,654, plus strand): 5'-GTACAGTCATGGTAATGCATTATATTTTAAGATTTTGCCTTTCTTATACAGAACAATCCC[AGCCTAAAACTTACATACAC>A]AGAATGTCTGAGGGTTTGTGGCAACTGGTTAGCAGAAACGTGCTTAGAAAATCCTGCGGT-3'